The following is an entry in ClinVar:

ClinVar aggregate classification (germline): Uncertain significance. Review status: criteria provided, multiple submitters, no conflicts (2 of 4 stars). 2 submissions from 2 submitters: Uncertain significance (2). Last evaluated 2025-10-15.

Conditions:
Inborn genetic diseases. Identifiers: MedGen C0950123, MeSH D030342.
Fanconi anemia (FA). Also called: Fanconi's anemia. Identifiers: Orphanet 84, MedGen C0015625, MeSH D005199, MONDO:0019391.

Allele frequency attached by ClinVar (database versions not stated): gnomAD 0.00001; gnomAD exomes 0.00001; TOPMed 0.00001; 1000 Genomes Project 30x 0.00016; 1000 Genomes Project 0.00020.
gnomAD v4.1: 2 of 1,613,526 alleles (0.00012%); highest among the groups gnomAD compares: East Asian, 0.0045%; no homozygotes.

Submissions (2):

Ambry Genetics
Classification: Uncertain significance for Inborn genetic diseases. Last evaluated: 2025-10-15. Review status: criteria provided, single submitter. Criteria: Ambry Variant Classification Scheme 2023. Collection method: clinical testing. Allele origin: germline.

Labcorp Genetics (formerly Invitae), Labcorp
Classification: Uncertain significance for Fanconi anemia. Last evaluated: 2021-05-03. Review status: criteria provided, single submitter. Criteria: Invitae Variant Classification Sherloc (09022015). Collection method: clinical testing. Allele origin: germline.
Comment: In summary, the available evidence is currently insufficient to determine the role of this variant in disease. Therefore, it has been classified as a Variant of Uncertain Significance. Algorithms developed to predict the effect of missense changes on protein structure and function (SIFT, PolyPhen-2, Align-GVGD) all suggest that this variant is likely to be tolerated, but these predictions have not been confirmed by published functional studies and their clinical significance is uncertain. This variant has not been reported in the literature in individuals with FANCM-related conditions. This variant is not present in population databases (ExAC no frequency). This sequence change replaces cysteine with glycine at codon 1065 of the FANCM protein (p.Cys1065Gly). The cysteine residue is weakly conserved and there is a large physicochemical difference between cysteine and glycine.

NM_020937.4(FANCM):c.3193T>G (p.Cys1065Gly)

Gene: FANCM (FA complementation group M; plus strand). Cytogenetic location: 14q21.2.
Variant type: single nucleotide variant.
Coding change: c.3193T>G on transcript NM_020937.4 (MANE Select); coding-DNA position 3193, T replaced by G.
Protein change: p.Cys1065Gly; replaces cysteine 1065 with glycine.
Molecular consequence: missense variant.
Genome position (GRCh38, 1-based): chr14:45,175,947, T>G. VCF-style: chr14-45175947-T-G. GRCh37 (hg19) VCF-style: chr14-45645150-T-G.
Other names: c.3115T>G, p.Cys1039Gly (NM_001308133.2); c.3193T>G (NM_020937.2); short protein forms C1039G, C1065G.
Identifiers: ClinVar variation 1039524 (VCV001039524.10), dbSNP rs201836469, ClinGen allele CA259628140.